The following is an entry in ClinVar:

ClinVar aggregate classification (germline): Uncertain significance (1 of 4 stars; one submission).

Submission:

Labcorp Genetics (formerly Invitae), Labcorp
Classification: Uncertain significance. Last evaluated: 2025-06-09. Review status: criteria provided, single submitter. Criteria: Invitae Variant Classification Sherloc (09022015). Collection method: clinical testing. Allele origin: germline.
Comment: This sequence change replaces proline, which is neutral and non-polar, with leucine, which is neutral and non-polar, at codon 63 of the NDUFS2 protein (p.Pro63Leu). This variant is not present in population databases (gnomAD no frequency). This variant has not been reported in the literature in individuals affected with NDUFS2-related conditions. ClinVar contains an entry for this variant (Variation ID: 1480935). An algorithm developed to predict the effect of missense changes on protein structure and function (PolyPhen-2) suggests that this variant is likely to be tolerated. In summary, the available evidence is currently insufficient to determine the role of this variant in disease. Therefore, it has been classified as a Variant of Uncertain Significance.

NM_001377299.1(NDUFS2):c.188C>T (p.Pro63Leu)

Gene: NDUFS2 (NADH:ubiquinone oxidoreductase core subunit S2; plus strand). Cytogenetic location: 1q23.3.
Variant type: single nucleotide variant.
Coding change: c.188C>T on transcript NM_001377299.1 (MANE Select); coding-DNA position 188, C replaced by T.
Protein change: p.Pro63Leu; replaces proline 63 with leucine.
Molecular consequence: missense variant. On other transcripts: non-coding transcript variant (1).
Genome position (GRCh38, 1-based): chr1:161,203,529, C>T. VCF-style: chr1-161203529-C-T. GRCh37 (hg19) VCF-style: chr1-161173319-C-T.
Other names: c.188C>T, p.Pro63Leu (NM_001166159.2, NM_001377298.1, NM_001377300.1 and 3 more transcripts); short protein forms P63L.
Identifiers: ClinVar variation 1480935 (VCV001480935.6), dbSNP rs2102030879, ClinGen allele CA343377104.